The following is an entry in ClinVar:

NM_000075.4(CDK4):c.131G>A (p.Gly44Glu)

Genes: CDK4 (cyclin dependent kinase 4; minus strand), LOC130008148 (ATAC-STARR-seq lymphoblastoid silent region 4588; plus strand). Cytogenetic location: 12q14.1.
Variant type: single nucleotide variant.
Coding change: c.131G>A on transcript NM_000075.4 (MANE Select); coding-DNA position 131, G replaced by A.
Protein change: p.Gly44Glu; replaces glycine 44 with glutamic acid.
Molecular consequence: missense variant.
Genome position (GRCh38, 1-based): chr12:57,751,587, C>T on the plus strand (G>A on the coding strand, the complement: CDK4 is on the minus strand). VCF-style: chr12-57751587-C-T. GRCh37 (hg19) VCF-style: chr12-58145370-C-T.
Other names: c.131G>A (NM_000075.3); short protein forms G44E.
Identifiers: ClinVar variation 1472879 (VCV001472879.7), dbSNP rs1595111083, ClinGen allele CA385548754.

ClinVar aggregate classification (germline): Uncertain significance. Review status: criteria provided, multiple submitters, no conflicts (2 of 4 stars). 2 submissions from 2 submitters: Uncertain significance (2). Last evaluated 2024-12-03.

Conditions:
Familial melanoma. Also called: Hereditary melanoma; Hereditary cutaneous melanoma. Identifiers: Orphanet 618, MedGen C1512419, MONDO:0018961.
Hereditary cancer-predisposing syndrome. Also called: Neoplastic Syndromes, Hereditary; Hereditary Cancer Syndrome; Tumor predisposition; Hereditary neoplastic syndrome. Identifiers: Orphanet 140162, MedGen C0027672, MeSH D009386, MONDO:0015356.

Allele frequency attached by ClinVar (database versions not stated): gnomAD exomes below 0.00001.

Submissions (2):

Ambry Genetics
Classification: Uncertain significance for Hereditary cancer-predisposing syndrome. Last evaluated: 2024-12-03. Review status: criteria provided, single submitter. Criteria: Ambry Variant Classification Scheme 2023. Collection method: clinical testing. Allele origin: germline.
Comment: The p.G44E variant (also known as c.131G>A), located in coding exon 1 of the CDK4 gene, results from a G to A substitution at nucleotide position 131. The glycine at codon 44 is replaced by glutamic acid, an amino acid with similar properties. This amino acid position is not well conserved in available vertebrate species. In addition, this alteration is predicted to be tolerated by in silico analysis. Based on the available evidence, the clinical significance of this variant remains unclear.

Labcorp Genetics (formerly Invitae), Labcorp
Classification: Uncertain significance for Familial melanoma. Last evaluated: 2021-09-24. Review status: criteria provided, single submitter. Criteria: Invitae Variant Classification Sherloc (09022015). Collection method: clinical testing. Allele origin: germline.
Comment: This sequence change replaces glycine with glutamic acid at codon 44 of the CDK4 protein (p.Gly44Glu). The glycine residue is weakly conserved and there is a moderate physicochemical difference between glycine and glutamic acid. This variant is not present in population databases (ExAC no frequency). This variant has not been reported in the literature in individuals affected with CDK4-related conditions. Algorithms developed to predict the effect of missense changes on protein structure and function are either unavailable or do not agree on the potential impact of this missense change (SIFT: "Deleterious"; PolyPhen-2: "Benign"; Align-GVGD: "Class C0"). In summary, the available evidence is currently insufficient to determine the role of this variant in disease. Therefore, it has been classified as a Variant of Uncertain Significance.